The following is an entry in ClinVar:

NM_000138.5(FBN1):c.3569C>A (p.Pro1190His)

Gene: FBN1 (fibrillin 1; minus strand). Cytogenetic location: 15q21.1.
Variant type: single nucleotide variant.
Coding change: c.3569C>A on transcript NM_000138.5 (MANE Select); coding-DNA position 3569, C replaced by A.
Protein change: p.Pro1190His; replaces proline 1190 with histidine.
Molecular consequence: missense variant.
Genome position (GRCh38, 1-based): chr15:48,487,095, G>T on the plus strand (C>A on the coding strand, the complement: FBN1 is on the minus strand). VCF-style: chr15-48487095-G-T. GRCh37 (hg19) VCF-style: chr15-48779292-G-T.
Other names: c.3569C>A, p.Pro1190His (NM_001406716.1); short protein forms P1190H.
Identifiers: ClinVar variation 3070134 (VCV003070134.1), dbSNP rs2043514137, ClinGen allele CA392324932.
Genomic context (GRCh38, chr15:48,487,095, plus strand): 5'-TAAAATAAAATAAAATAAAATAAAATAAAAAAGAACTTACCAACACAAAATAGCCTATCG[G>T]GAGTTGAATGGTAGCCAGGGTTGCAGGCACACTGATACTTCCCTATGAGGTTCACGCAAC-3'
Protein context (NP_000129.3, residues 1180-1200): CACNPGYHST[Pro1190His]DRLFCVDIDE

ClinVar aggregate classification (germline): Uncertain significance (1 of 4 stars; one submission).

Conditions:
Marfan syndrome (MFS). Also called: MARFAN SYNDROME, TYPE I; Marfan syndrome type 1; Marfan's syndrome; Marfan syndrome, classic; FBN1-Related Marfan Syndrome. Identifiers: Orphanet 284963, Orphanet 558, MedGen C0024796, MONDO:0007947, OMIM 154700.

Allele frequency attached by ClinVar (database versions not stated): TOPMed below 0.00001.

Submission:

All of Us Research Program, National Institutes of Health
Classification: Uncertain significance for Marfan syndrome. Last evaluated: 2023-09-17. Review status: criteria provided, single submitter. Criteria: ACMG Guidelines, 2015. Collection method: clinical testing. Allele origin: germline. Inheritance: Autosomal dominant inheritance. Observed: 2 variant alleles, 2 heterozygotes.
Comment: This missense variant replaces proline with histidine at codon 1190 of the FBN1 protein. Computational prediction is inconclusive regarding the impact of this variant on protein structure and function (internally defined REVEL score threshold 0.5 < inconclusive < 0.7, PMID: 27666373). To our knowledge, functional studies have not been reported for this variant. This variant has not been reported in individuals affected with FBN1-related disorders in the literature. This variant has not been identified in the general population by the Genome Aggregation Database (gnomAD). The available evidence is insufficient to determine the role of this variant in disease conclusively. Therefore, this variant is classified as a Variant of Uncertain Significance.

This study involves interpretation of variants in research participants for the purpose of population health screening. Participant phenotype was not available at the time of variant classification. Additional details can be found in publication PMID: 35346344, PMCID: PMC8962531